The following is an entry in ClinVar:

NM_001164665.2(KIAA1549):c.3277A>G (p.Ile1093Val)

Gene: KIAA1549 (KIAA1549; minus strand). Cytogenetic location: 7q34.
Variant type: single nucleotide variant.
Coding change: c.3277A>G on transcript NM_001164665.2 (MANE Select); coding-DNA position 3277, A replaced by G.
Protein change: p.Ile1093Val; replaces isoleucine 1093 with valine.
Molecular consequence: missense variant.
Genome position (GRCh38, 1-based): chr7:138,907,102, T>C on the plus strand (A>G on the coding strand, the complement: KIAA1549 is on the minus strand). VCF-style: chr7-138907102-T-C. GRCh37 (hg19) VCF-style: chr7-138591848-T-C.
Other names: c.3277A>G, p.Ile1093Val (NM_020910.3); short protein forms I1093V.
Identifiers: ClinVar variation 860882 (VCV000860882.9), dbSNP rs1184294789, ClinGen allele CA369385714.
Genomic context (GRCh38, chr7:138,907,102, plus strand): 5'-TGATATTCACCGGGCCCCGCCGAGGAGTCACCCTTGAGGAACTGATGGTGATATTCAAGA[T>C]CTGAAAGAATAAAGTCAGAATAAGCTTCTATAATAAAACATTCTGCTGAAAGCTTAACCA-3'
Protein context (NP_001158137.1, residues 1083-1103): HQGTYNLTVQ[Ile1093Val]LNITISSSRV

ClinVar aggregate classification (germline): Uncertain significance. Review status: criteria provided, multiple submitters, no conflicts (2 of 4 stars). 2 submissions from 2 submitters: Uncertain significance (2). Last evaluated 2024-12-25.

Conditions:
Inborn genetic diseases. Identifiers: MedGen C0950123, MeSH D030342.

Submissions (2):

Ambry Genetics
Classification: Uncertain significance for Inborn genetic diseases. Last evaluated: 2024-12-25. Review status: criteria provided, single submitter. Criteria: Ambry Variant Classification Scheme 2023. Collection method: clinical testing. Allele origin: germline.

Labcorp Genetics (formerly Invitae), Labcorp
Classification: Uncertain significance. Last evaluated: 2022-03-10. Review status: criteria provided, single submitter. Criteria: Invitae Variant Classification Sherloc (09022015). Collection method: clinical testing. Allele origin: germline.
Comment: This sequence change replaces isoleucine, which is neutral and non-polar, with valine, which is neutral and non-polar, at codon 1093 of the KIAA1549 protein (p.Ile1093Val). This variant is not present in population databases (gnomAD no frequency). This variant has not been reported in the literature in individuals affected with KIAA1549-related conditions. ClinVar contains an entry for this variant (Variation ID: 860882). Algorithms developed to predict the effect of missense changes on protein structure and function output the following: SIFT: "Deleterious"; PolyPhen-2: "Benign"; Align-GVGD: "Class C0". The valine amino acid residue is found in multiple mammalian species, which suggests that this missense change does not adversely affect protein function. Algorithms developed to predict the effect of sequence changes on RNA splicing suggest that this variant may create or strengthen a splice site. In summary, the available evidence is currently insufficient to determine the role of this variant in disease. Therefore, it has been classified as a Variant of Uncertain Significance.